The following is an entry in ClinVar:

ClinVar aggregate classification (germline): Uncertain significance (1 of 4 stars; one submission).

Conditions:
Dyskeratosis congenita. Identifiers: Orphanet 1775, MedGen C0265965, MONDO:0015780.

Allele frequency attached by ClinVar (database versions not stated): gnomAD exomes below 0.00001; ExAC 0.00001.
gnomAD v4.1: 1 of 1,613,892 alleles (0.000062%); highest among the groups gnomAD compares: East Asian, 0.0022%; no homozygotes.

Submission:

Labcorp Genetics (formerly Invitae), Labcorp
Classification: Uncertain significance for Dyskeratosis congenita. Last evaluated: 2023-02-25. Review status: criteria provided, single submitter. Criteria: Invitae Variant Classification Sherloc (09022015). Collection method: clinical testing. Allele origin: germline.
Comment: This variant has not been reported in the literature in individuals affected with TINF2-related conditions. This variant is present in population databases (rs767141183, gnomAD 0.006%). This sequence change affects an acceptor splice site in intron 6 of the TINF2 gene. It is expected to disrupt RNA splicing. Variants that disrupt the donor or acceptor splice site typically lead to a loss of protein function (PMID: 16199547), however the current clinical and genetic evidence is not sufficient to establish whether loss-of-function variants in TINF2 cause disease. Algorithms developed to predict the effect of sequence changes on RNA splicing suggest that this variant may disrupt the consensus splice site. In summary, the available evidence is currently insufficient to determine the role of this variant in disease. Therefore, it has been classified as a Variant of Uncertain Significance.

Literature cited by the submitters: PubMed 16199547.

NM_001099274.3(TINF2):c.1062-2A>G

Gene: TINF2 (TERF1 interacting nuclear factor 2; minus strand). Cytogenetic location: 14q12.
Variant type: single nucleotide variant.
Coding change: c.1062-2A>G on transcript NM_001099274.3 (MANE Select); the canonical splice acceptor site of the intron before coding-DNA position 1062, A replaced by G.
Molecular consequence: splice acceptor variant. On other transcripts: 3 prime UTR variant (1).
Genome position (GRCh38, 1-based): chr14:24,240,332, T>C on the plus strand (A>G on the coding strand, the complement: TINF2 is on the minus strand). VCF-style: chr14-24240332-T-C. GRCh37 (hg19) VCF-style: chr14-24709538-T-C.
Other names: c.*83A>G (NM_012461.3); c.957-2A>G (NM_001363668.2).
Identifiers: ClinVar variation 2975844 (VCV002975844.3), dbSNP rs767141183, ClinGen allele CA7130506.